The following is an entry in ClinVar:

ClinVar aggregate classification (germline): Likely benign (1 of 4 stars; one submission).

gnomAD v4.1: 9 of 1,614,004 alleles (0.00056%); highest among the groups gnomAD compares: Admixed American, 0.015%; no homozygotes.

Submission:

CeGaT Center for Human Genetics Tuebingen
Classification: Likely benign. Last evaluated: 2025-01-01. Review status: criteria provided, single submitter. Criteria: CeGaT Center For Human Genetics Tuebingen Variant Classification Criteria Version 2. Collection method: clinical testing. Allele origin: germline. Affected: yes. Observed: 1 variant allele.
Comment: DPYSL5: BP4

NM_020134.4(DPYSL5):c.1653G>T (p.Arg551=)

Gene: DPYSL5 (dihydropyrimidinase like 5; plus strand). Cytogenetic location: 2p23.3.
Variant type: single nucleotide variant.
Coding change: c.1653G>T on transcript NM_020134.4 (MANE Select); coding-DNA position 1653, G replaced by T.
Protein change: p.Arg551=; no amino-acid change (arginine 551 retained).
Molecular consequence: synonymous variant.
Genome position (GRCh38, 1-based): chr2:26,946,953, G>T. VCF-style: chr2-26946953-G-T. GRCh37 (hg19) VCF-style: chr2-27169821-G-T.
Other names: c.1653G>T, p.Arg551= (NM_001253723.2, NM_001253724.2).
Identifiers: ClinVar variation 3772287 (VCV003772287.13).